The following is an entry in ClinVar:

NM_004725.4(BUB3):c.836T>G (p.Ile279Ser)

Gene: BUB3 (BUB3 mitotic checkpoint protein; plus strand). Cytogenetic location: 10q26.13.
Variant type: single nucleotide variant.
Coding change: c.836T>G on transcript NM_004725.4 (MANE Select); coding-DNA position 836, T replaced by G.
Protein change: p.Ile279Ser; replaces isoleucine 279 with serine.
Molecular consequence: missense variant.
Genome position (GRCh38, 1-based): chr10:123,162,693, T>G. VCF-style: chr10-123162693-T-G. GRCh37 (hg19) VCF-style: chr10-124922209-T-G.
Other names: c.836T>G, p.Ile279Ser (NM_001007793.3); short protein forms I279S.
Identifiers: ClinVar variation 1763114 (VCV001763114.3), dbSNP rs994006181, ClinGen allele CA215183702.

ClinVar aggregate classification (germline): Uncertain significance (1 of 4 stars; one submission).

Allele frequency attached by ClinVar (database versions not stated): gnomAD exomes below 0.00001; gnomAD 0.00001; TOPMed 0.00001.
gnomAD v4.1: 3 of 1,611,450 alleles (0.00019%); highest among the groups gnomAD compares: African/African-American, 0.0013%; no homozygotes.

Submission:

Ambry Genetics
Classification: Uncertain significance. Last evaluated: 2022-10-31. Review status: criteria provided, single submitter. Criteria: Ambry Variant Classification Scheme 2023. Collection method: clinical testing. Allele origin: germline.
Comment: The p.I279S variant (also known as c.836T>G), located in coding exon 6 of the BUB3 gene, results from a T to G substitution at nucleotide position 836. The isoleucine at codon 279 is replaced by serine, an amino acid with dissimilar properties. This amino acid position is conserved. In addition, this alteration is predicted to be deleterious by in silico analysis. Since supporting evidence is limited at this time, the clinical significance of this alteration remains unclear.